The following is an entry in ClinVar:

NM_144573.4(NEXN):c.571del (p.Asp191fs)

Gene: NEXN (nexilin F-actin binding protein; plus strand). Cytogenetic location: 1p31.1.
Variant type: Deletion.
Coding change: c.571del on transcript NM_144573.4 (MANE Select); coding-DNA position 571, one base deleted (G; older notation c.571delG).
Protein change: p.Asp191fs; shifts the reading frame from aspartic acid 191.
Molecular consequence: frameshift variant.
Genome position (GRCh38, 1-based): chr1:77,926,495, G deleted; the last of 2 consecutive G bases (chr1:77,926,494-77,926,495); deleting either gives the same sequence. VCF-style (leftmost placement, unchanged base first): chr1-77926493-AG-A. GRCh37 (hg19) VCF-style: chr1-78392178-AG-A.
Other names: c.379del, p.Asp127fs (NM_001172309.2); c.379delG (NM_001172309.1); c.571delG (NM_144573.3); short protein forms D127fs, D191fs.
Identifiers: ClinVar variation 201938 (VCV000201938.2), dbSNP rs794729089, ClinGen allele CA335452.

ClinVar aggregate classification (germline): Uncertain significance (1 of 4 stars; one submission).

Submission:

GeneDx
Classification: Uncertain significance. Last evaluated: 2016-10-10. Review status: criteria provided, single submitter. Criteria: GeneDx Variant Classification (06012015). Collection method: clinical testing. Allele origin: germline. Affected: yes.
Comment: The c.571delG variant in the NEXN gene has not been reported as a disease-causing mutation to our knowledge. This variant causes a shift in reading frame starting at codon Asparagine 191, changing it to a Isoleucine, and creating a premature stop codon at position 2 of the new reading frame, denoted p.Asn191IlefsX2. This variant is expected to result in either an abnormal, truncated protein product or loss of protein from this allele through nonsense-mediated mRNA decay. However, there have been no truncating mutations in the NEXN gene reported to date. Therefore, based on the currently available information, it is unclear whether this variant is a pathogenic mutation or a rare benign variant.